The following is an entry in ClinVar:

ClinVar aggregate classification (germline): Uncertain significance (1 of 4 stars; one submission).

Allele frequency attached by ClinVar (database versions not stated): TOPMed below 0.00001; ExAC 0.00001; gnomAD 0.00001.
gnomAD v4.1: 12 of 1,614,096 alleles (0.00074%); highest among the groups gnomAD compares: Non-Finnish European, 0.001%; no homozygotes.

Submission:

Labcorp Genetics (formerly Invitae), Labcorp
Classification: Uncertain significance. Last evaluated: 2025-01-06. Review status: criteria provided, single submitter. Criteria: Invitae Variant Classification Sherloc (09022015). Collection method: clinical testing. Allele origin: germline.
Comment: This sequence change replaces methionine, which is neutral and non-polar, with leucine, which is neutral and non-polar, at codon 67 of the TUBA8 protein (p.Met67Leu). This variant is present in population databases (rs746620644, gnomAD 0.002%). This variant has not been reported in the literature in individuals affected with TUBA8-related conditions. ClinVar contains an entry for this variant (Variation ID: 1899348). Invitae Evidence Modeling of protein sequence and biophysical properties (such as structural, functional, and spatial information, amino acid conservation, physicochemical variation, residue mobility, and thermodynamic stability) indicates that this missense variant is not expected to disrupt TUBA8 protein function with a negative predictive value of 80%. In summary, the available evidence is currently insufficient to determine the role of this variant in disease. Therefore, it has been classified as a Variant of Uncertain Significance.

NM_018943.3(TUBA8):c.199A>T (p.Met67Leu)

Gene: TUBA8 (tubulin alpha 8; plus strand). Cytogenetic location: 22q11.21.
Variant type: single nucleotide variant.
Coding change: c.199A>T on transcript NM_018943.3 (MANE Select); coding-DNA position 199, A replaced by T.
Protein change: p.Met67Leu; replaces methionine 67 with leucine.
Molecular consequence: missense variant. On other transcripts: initiator codon variant (1).
Genome position (GRCh38, 1-based): chr22:18,121,674, A>T. VCF-style: chr22-18121674-A-T. GRCh37 (hg19) VCF-style: chr22-18604441-A-T.
Other names: c.1A>T, p.Met1Leu (NM_001193414.2); short protein forms M1L, M67L.
Identifiers: ClinVar variation 1899348 (VCV001899348.6), dbSNP rs746620644, ClinGen allele CA10093604.